The following is an entry in ClinVar:

NM_001369268.1(ACAN):c.1555G>A (p.Ala519Thr)

Gene: ACAN (aggrecan; plus strand). Cytogenetic location: 15q26.1.
Variant type: single nucleotide variant.
Coding change: c.1555G>A on transcript NM_001369268.1 (MANE Select); coding-DNA position 1555, G replaced by A.
Protein change: p.Ala519Thr; replaces alanine 519 with threonine.
Molecular consequence: missense variant.
Genome position (GRCh38, 1-based): chr15:88,847,368, G>A. VCF-style: chr15-88847368-G-A. GRCh37 (hg19) VCF-style: chr15-89390599-G-A.
Other names: c.1555G>A, p.Ala519Thr (NM_001135.4, NM_001411096.1, NM_001411097.1 and 1 more transcripts); short protein forms A519T.
Identifiers: ClinVar variation 3690682 (VCV003690682.2).
Genomic context (GRCh38, chr15:88,847,368, plus strand): 5'-GCCTGCCTGCGCACGGGGGCGGTCATTGCCTCGCCGGAGCAGCTCCAGGCCGCCTACGAA[G>A]CAGGCTATGAGCAGTGTGACGCCGGCTGGCTGCGGGACCAGACCGTCAGGTGAAGCCATG-3'
Protein context (NP_001356197.1, residues 509-529): SPEQLQAAYE[Ala519Thr]GYEQCDAGWL

ClinVar aggregate classification (germline): Uncertain significance (1 of 4 stars; one submission).

gnomAD v4.1: 1 of 1,593,866 alleles (0.000063%); highest among the groups gnomAD compares: East Asian, 0.0023%; no homozygotes.

Submission:

Labcorp Genetics (formerly Invitae), Labcorp
Classification: Uncertain significance. Last evaluated: 2024-03-03. Review status: criteria provided, single submitter. Criteria: Invitae Variant Classification Sherloc (09022015). Collection method: clinical testing. Allele origin: germline.
Comment: This sequence change replaces alanine, which is neutral and non-polar, with threonine, which is neutral and polar, at codon 519 of the ACAN protein (p.Ala519Thr). The frequency data for this variant in the population databases is considered unreliable, as metrics indicate poor data quality at this position in the gnomAD database. This variant has not been reported in the literature in individuals affected with ACAN-related conditions. Advanced modeling of protein sequence and biophysical properties (such as structural, functional, and spatial information, amino acid conservation, physicochemical variation, residue mobility, and thermodynamic stability) performed at Invitae indicates that this missense variant is not expected to disrupt ACAN protein function with a negative predictive value of 80%. In summary, the available evidence is currently insufficient to determine the role of this variant in disease. Therefore, it has been classified as a Variant of Uncertain Significance.